The following is an entry in ClinVar:

ClinVar aggregate classification (germline): Uncertain significance. Review status: criteria provided, multiple submitters, no conflicts (2 of 4 stars). 2 submissions from 2 submitters: Uncertain significance (2). Last evaluated 2024-05-14.

Conditions:
Neuroblastoma, susceptibility to, 3. Also called: ALK-Related Neuroblastic Tumor Susceptibility. Identifiers: Orphanet 635, MedGen C2751681, MONDO:0013083, OMIM 613014.
Hereditary cancer-predisposing syndrome. Also called: Tumor predisposition; Neoplastic Syndromes, Hereditary; Hereditary Cancer Syndrome; Hereditary neoplastic syndrome. Identifiers: Orphanet 140162, MedGen C0027672, MeSH D009386, MONDO:0015356.

Submissions (2):

Labcorp Genetics (formerly Invitae), Labcorp
Classification: Uncertain significance for Neuroblastoma, susceptibility to, 3. Last evaluated: 2024-05-14. Review status: criteria provided, single submitter. Criteria: Invitae Variant Classification Sherloc (09022015). Collection method: clinical testing. Allele origin: germline.
Comment: This sequence change replaces alanine, which is neutral and non-polar, with serine, which is neutral and polar, at codon 462 of the ALK protein (p.Ala462Ser). This variant is not present in population databases (gnomAD no frequency). This variant has not been reported in the literature in individuals affected with ALK-related conditions. ClinVar contains an entry for this variant (Variation ID: 1771363). Algorithms developed to predict the effect of missense changes on protein structure and function output the following: SIFT: "Not Available"; PolyPhen-2: "Benign"; Align-GVGD: "Not Available". The serine amino acid residue is found in multiple mammalian species, which suggests that this missense change does not adversely affect protein function. In summary, the available evidence is currently insufficient to determine the role of this variant in disease. Therefore, it has been classified as a Variant of Uncertain Significance.

Ambry Genetics
Classification: Uncertain significance for Hereditary cancer-predisposing syndrome. Last evaluated: 2022-01-30. Review status: criteria provided, single submitter. Criteria: Ambry Variant Classification Scheme 2023. Collection method: clinical testing. Allele origin: germline.
Comment: The p.A462S variant (also known as c.1384G>T), located in coding exon 6 of the ALK gene, results from a G to T substitution at nucleotide position 1384. The alanine at codon 462 is replaced by serine, an amino acid with similar properties. This amino acid position is conserved. In addition, this alteration is predicted to be tolerated by in silico analysis. Since supporting evidence is limited at this time, the clinical significance of this alteration remains unclear.

NM_004304.5(ALK):c.1384G>T (p.Ala462Ser)

Gene: ALK (ALK receptor tyrosine kinase; minus strand). Cytogenetic location: 2p23.2.
Variant type: single nucleotide variant.
Coding change: c.1384G>T on transcript NM_004304.5 (MANE Select); coding-DNA position 1384, G replaced by T.
Protein change: p.Ala462Ser; replaces alanine 462 with serine.
Molecular consequence: missense variant.
Genome position (GRCh38, 1-based): chr2:29,328,380, C>A on the plus strand (G>T on the coding strand, the complement: ALK is on the minus strand). VCF-style: chr2-29328380-C-A. GRCh37 (hg19) VCF-style: chr2-29551246-C-A.
Other names: short protein forms A462S.
Identifiers: ClinVar variation 1771363 (VCV001771363.7), dbSNP rs2465459251, ClinGen allele CA346474152.